The following is an entry in ClinVar:

ClinVar aggregate classification (germline): Conflicting classifications of pathogenicity. Review status: criteria provided, conflicting classifications (1 of 4 stars). 12 submissions from 10 submitters: Uncertain significance (1); Benign (3); Likely benign (5). 3 of the submissions do not count toward it. Last evaluated 2026-01-04.

Conditions:
Inborn genetic diseases. Identifiers: MedGen C0950123, MeSH D030342.
Neuropathy, hereditary sensory and autonomic, type 2A (HSAN2A). Also called: MORVAN DISEASE; NEUROPATHY, CONGENITAL SENSORY; NEUROPATHY, HEREDITARY SENSORY RADICULAR, AUTOSOMAL RECESSIVE; NEUROPATHY, HEREDITARY SENSORY, TYPE IIA; NEUROPATHY, PROGRESSIVE SENSORY, OF CHILDREN; HSAN IIA. Identifiers: Orphanet 970, MedGen C2752089, MONDO:0024309, OMIM 201300.
Generalized epilepsy with febrile seizures plus, type 7 (GEFSP7). Also called: GEFS+, TYPE 7. Identifiers: Orphanet 36387, MedGen C2751778, MONDO:0013470, OMIM 613863.
Channelopathy-associated congenital insensitivity to pain, autosomal recessive. Also called: Insensitivity to pain, channelopathy-associated; ASYMBOLIA FOR PAIN; CONGENITAL ANALGESIA, AUTOSOMAL RECESSIVE. Identifiers: Orphanet 88642, Orphanet 970, MedGen C1855739, MONDO:0009459, OMIM 243000.
Paroxysmal extreme pain disorder (PEXPD). Also called: PAIN, SUBMANDIBULAR, OCULAR, AND RECTAL, WITH FLUSHING; RECTAL PAIN, FAMILIAL; SCN9A Paroxysmal Extreme Pain Disorder (SCN9A-PEPD). Identifiers: Orphanet 46348, MedGen C1833661, MONDO:0008179, OMIM 167400.
Primary erythromelalgia. Also called: primary erythermalgia; SCN9A Erythromelalgia (SCN9A-EM). Identifiers: Orphanet 306577, Orphanet 90026, MedGen C0014805, MONDO:0007571, OMIM 133020.

Allele frequency attached by ClinVar (database versions not stated): gnomAD exomes 0.00032 and 0.00059; ExAC 0.00033; ESP Exome Variant Server 0.00038; 1000 Genomes Project 0.00040; gnomAD 0.00041 and 0.00042; TOPMed 0.00042; 1000 Genomes Project 30x 0.00047.

Submissions (12):

Labcorp Genetics (formerly Invitae), Labcorp
Classification: Likely benign for Neuropathy, hereditary sensory and autonomic, type 2A; Generalized epilepsy with febrile seizures plus, type 7. Last evaluated: 2026-01-04. Review status: criteria provided, single submitter. Criteria: Invitae Variant Classification Sherloc (09022015). Collection method: clinical testing. Allele origin: germline.

CeGaT Center for Human Genetics Tuebingen
Classification: Likely benign. Last evaluated: 2025-05-01. Review status: criteria provided, single submitter. Criteria: CeGaT Center For Human Genetics Tuebingen Variant Classification Criteria Version 2. Collection method: clinical testing. Allele origin: germline. Affected: yes. Observed: 4 variant alleles.
Comment: SCN9A: BP4, BP7

Mayo Clinic Laboratories, Mayo Clinic
Classification: Likely benign. Last evaluated: 2024-12-14. Review status: criteria provided, single submitter. Criteria: ACMG Guidelines, 2015. Collection method: clinical testing. Allele origin: germline. Observed: 2 variant alleles.
Comment: BP4, BP7

Blueprint Genetics
Classification: Likely benign. Last evaluated: 2024-11-06. Review status: criteria provided, single submitter. Criteria: ACMG Guidelines, 2015. Collection method: clinical testing. Allele origin: germline.

Ambry Genetics
Classification: Likely benign for Inborn genetic diseases. Last evaluated: 2019-07-11. Review status: criteria provided, single submitter. Criteria: Ambry Variant Classification Scheme 2023. Collection method: clinical testing. Allele origin: germline.

Illumina Laboratory Services, Illumina
Classification: Uncertain significance for Channelopathy-associated congenital insensitivity to pain, autosomal recessive. Last evaluated: 2018-01-12. Review status: criteria provided, single submitter. Criteria: ICSL Variant Classification Criteria 13 December 2019. Collection method: clinical testing. Allele origin: germline.

Illumina Laboratory Services, Illumina
Classification: Benign for Primary erythromelalgia. Last evaluated: 2018-01-12. Review status: criteria provided, single submitter. Criteria: ICSL Variant Classification Criteria 13 December 2019. Collection method: clinical testing. Allele origin: germline.
Comment: This variant was observed in the ICSL laboratory as part of a predisposition screen in an ostensibly healthy population. It had not been previously curated by ICSL or reported in the Human Gene Mutation Database (HGMD: prior to June 1st, 2018), and was therefore a candidate for classification through an automated scoring system. Utilizing variant allele frequency, disease prevalence and penetrance estimates, and inheritance mode, an automated score was calculated to assess if this variant is too frequent to cause the disease. Based on the score and internal cut-off values, a variant classified as benign is not then subjected to further curation. The score for this variant resulted in a classification of benign for this disease.

Illumina Laboratory Services, Illumina
Classification: Benign for Paroxysmal extreme pain disorder. Last evaluated: 2018-01-12. Review status: criteria provided, single submitter. Criteria: ICSL Variant Classification Criteria 13 December 2019. Collection method: clinical testing. Allele origin: germline.
Comment: the same text as in the submission from Illumina Laboratory Services, Illumina above.

GeneDx
Classification: Benign. Last evaluated: 2015-08-05. Review status: criteria provided, single submitter. Criteria: GeneDx Variant Classification (06012015). Collection method: clinical testing. Allele origin: germline. Affected: yes.
Comment: This variant is considered likely benign or benign based on one or more of the following criteria: it is a conservative change, it occurs at a poorly conserved position in the protein, it is predicted to be benign by multiple in silico algorithms, and/or has population frequency not consistent with disease.

Genetic Services Laboratory, University of Chicago
Classification: Likely benign for AllHighlyPenetrant. Review status: no assertion criteria provided. Collection method: clinical testing. Allele origin: germline. Inheritance: Autosomal dominant inheritance. Not counted in ClinVar's aggregate classification.
Comment: Likely benign based on allele frequency in 1000 Genomes Project or ESP global frequency and its presence in a patient with a rare or unrelated disease phenotype. NOT Sanger confirmed.

Genome Diagnostics Laboratory, University Medical Center Utrecht
Classification: Likely benign. Review status: no assertion criteria provided. Collection method: clinical testing. Allele origin: germline. Affected: yes. Study: VKGL Data-share Consensus. Not counted in ClinVar's aggregate classification.

Joint Genome Diagnostic Labs from Nijmegen and Maastricht, Radboudumc and MUMC+
Classification: Likely benign. Review status: no assertion criteria provided. Collection method: clinical testing. Allele origin: germline. Affected: yes. Study: VKGL Data-share Consensus. Not counted in ClinVar's aggregate classification.

NM_001365536.1(SCN9A):c.4923T>C (p.Leu1641=)

Genes: SCN9A (sodium voltage-gated channel alpha subunit 9; minus strand), SCN1A-AS1 (SCN1A and SCN9A antisense RNA 1; plus strand). Cytogenetic location: 2q24.3.
Variant type: single nucleotide variant.
Coding change: c.4923T>C on transcript NM_001365536.1 (MANE Select); coding-DNA position 4923, T replaced by C.
Protein change: p.Leu1641=; no amino-acid change (leucine 1641 retained).
Molecular consequence: synonymous variant. On other transcripts: non-coding transcript variant (1).
Genome position (GRCh38, 1-based): chr2:166,199,716, A>G on the plus strand (T>C on the coding strand, the complement: SCN9A is on the minus strand). VCF-style: chr2-166199716-A-G. GRCh37 (hg19) VCF-style: chr2-167056226-A-G.
Other names: p.Leu1630=; c.4890T>C, p.Leu1630= (NM_002977.4).
Identifiers: ClinVar variation 130272 (VCV000130272.66), dbSNP rs199550149, ClinGen allele CA155139.
Genomic context (GRCh38, chr2:166,199,716, plus strand): 5'-AAAGATGGCGTAGATGAACATGACCAGGAAGAGCAGGAGGCCGATGTTAAACAACGCAGG[A>G]AGGGACATCATCAAAGCAAAGAGCAGCGTGCGGATCCCCTTTGCTCCTTTGACTAGACGT-3'
Protein context (NP_001352465.1, residues 1631-1651): RTLLFALMMS[Leu1641=]PALFNIGLLL